The following is an entry in ClinVar:

ClinVar aggregate classification (germline): Uncertain significance (1 of 4 stars; one submission).

Submission:

Labcorp Genetics (formerly Invitae), Labcorp
Classification: Uncertain significance. Last evaluated: 2022-01-11. Review status: criteria provided, single submitter. Criteria: Invitae Variant Classification Sherloc (09022015). Collection method: clinical testing. Allele origin: germline.
Comment: This sequence change replaces proline, which is neutral and non-polar, with leucine, which is neutral and non-polar, at codon 109 of the COL2A1 protein (p.Pro109Leu). This variant is not present in population databases (gnomAD no frequency). This variant has not been reported in the literature in individuals affected with COL2A1-related conditions. Algorithms developed to predict the effect of missense changes on protein structure and function are either unavailable or do not agree on the potential impact of this missense change (SIFT: "Tolerated"; PolyPhen-2: "Not Available"; Align-GVGD: "Class C0"). In summary, the available evidence is currently insufficient to determine the role of this variant in disease. Therefore, it has been classified as a Variant of Uncertain Significance.

NM_001844.5(COL2A1):c.326C>T (p.Pro109Leu)

Gene: COL2A1 (collagen type II alpha 1 chain; minus strand). Cytogenetic location: 12q13.11.
Variant type: single nucleotide variant.
Coding change: c.326C>T on transcript NM_001844.5 (MANE Select); coding-DNA position 326, C replaced by T.
Protein change: p.Pro109Leu; replaces proline 109 with leucine.
Molecular consequence: missense variant.
Genome position (GRCh38, 1-based): chr12:47,998,185, G>A on the plus strand (C>T on the coding strand, the complement: COL2A1 is on the minus strand). VCF-style: chr12-47998185-G-A. GRCh37 (hg19) VCF-style: chr12-48391968-G-A.
Other names: c.119C>T, p.Pro40Leu (NM_033150.3); short protein forms P109L, P40L.
Identifiers: ClinVar variation 2078847 (VCV002078847.4), dbSNP rs140120720, ClinGen allele CA384525359.